The following is an entry in ClinVar:

NM_001330360.2(POLA1):c.3004C>G (p.Leu1002Val)

Gene: POLA1 (DNA polymerase alpha 1, catalytic subunit; plus strand). Cytogenetic location: Xp22.11.
Variant type: single nucleotide variant.
Coding change: c.3004C>G on transcript NM_001330360.2 (MANE Select); coding-DNA position 3004, C replaced by G.
Protein change: p.Leu1002Val; replaces leucine 1002 with valine.
Molecular consequence: missense variant. On other transcripts: non-coding transcript variant (2).
Genome position (GRCh38, 1-based): chrX:24,810,714, C>G. VCF-style: chrX-24810714-C-G. GRCh37 (hg19) VCF-style: chrX-24828831-C-G.
Other names: c.2929C>G, p.Leu977Val (NM_001378303.1); c.2986C>G, p.Leu996Val (NM_016937.4); short protein forms L977V, L996V, L1002V.
Identifiers: ClinVar variation 1922848 (VCV001922848.5), dbSNP rs2518662186, ClinGen allele CA412524436.

ClinVar aggregate classification (germline): Uncertain significance (1 of 4 stars; one submission).

Allele frequency attached by ClinVar (database versions not stated): gnomAD exomes below 0.00001.
gnomAD v4.1: 1 of 994,633 alleles (0.0001%); highest among the groups gnomAD compares: Middle Eastern, 0.026%; no homozygotes.

Submission:

Labcorp Genetics (formerly Invitae), Labcorp
Classification: Uncertain significance. Last evaluated: 2022-03-13. Review status: criteria provided, single submitter. Criteria: Invitae Variant Classification Sherloc (09022015). Collection method: clinical testing. Allele origin: germline.
Comment: In summary, the available evidence is currently insufficient to determine the role of this variant in disease. Therefore, it has been classified as a Variant of Uncertain Significance. Algorithms developed to predict the effect of missense changes on protein structure and function are either unavailable or do not agree on the potential impact of this missense change (SIFT: "Deleterious"; PolyPhen-2: "Possibly Damaging"; Align-GVGD: "Class C0"). This variant has not been reported in the literature in individuals affected with POLA1-related conditions. This variant is not present in population databases (gnomAD no frequency). This sequence change replaces leucine, which is neutral and non-polar, with valine, which is neutral and non-polar, at codon 996 of the POLA1 protein (p.Leu996Val).